The following is an entry in ClinVar:

NM_017654.4(SAMD9):c.1705G>T (p.Gly569Ter)

Gene: SAMD9 (sterile alpha motif domain containing 9; minus strand). Cytogenetic location: 7q21.2.
Variant type: single nucleotide variant.
Coding change: c.1705G>T on transcript NM_017654.4 (MANE Select); coding-DNA position 1705, G replaced by T.
Protein change: p.Gly569Ter; replaces glycine 569 with a stop codon.
Molecular consequence: nonsense.
Genome position (GRCh38, 1-based): chr7:93,104,393, C>A on the plus strand (G>T on the coding strand, the complement: SAMD9 is on the minus strand). VCF-style: chr7-93104393-C-A. GRCh37 (hg19) VCF-style: chr7-92733706-C-A.
Other names: c.1705G>T, p.Gly569Ter (NM_001193307.2); short protein forms G569*.
Identifiers: ClinVar variation 4725455 (VCV004725455.1).

ClinVar aggregate classification (germline): Uncertain significance (1 of 4 stars; one submission).

gnomAD v4.1: 2 of 1,613,892 alleles (0.00012%); highest among the groups gnomAD compares: Non-Finnish European, 0.00017%; no homozygotes.

Submission:

Labcorp Genetics (formerly Invitae), Labcorp
Classification: Uncertain significance. Last evaluated: 2025-08-14. Review status: criteria provided, single submitter. Criteria: Invitae Variant Classification Sherloc (09022015). Collection method: clinical testing. Allele origin: germline.
Comment: This sequence change creates a premature translational stop signal (p.Gly569*) in the SAMD9 gene. While this is not anticipated to result in nonsense mediated decay, it is expected to disrupt the last 1021 amino acid(s) of the SAMD9 protein. This variant is not present in population databases (gnomAD no frequency). This variant has not been reported in the literature in individuals affected with SAMD9-related conditions. Experimental studies and prediction algorithms are not available or were not evaluated, and the functional significance of this variant is currently unknown. In summary, the available evidence is currently insufficient to determine the role of this variant in disease. Therefore, it has been classified as a Variant of Uncertain Significance.